The following is an entry in ClinVar:

NM_000038.6(APC):c.5214C>T (p.His1738=)

Gene: APC (APC regulator of Wnt signaling pathway; plus strand). Cytogenetic location: 5q22.2.
Variant type: single nucleotide variant.
Coding change: c.5214C>T on transcript NM_000038.6 (MANE Select); coding-DNA position 5214, C replaced by T.
Protein change: p.His1738=; no amino-acid change (histidine 1738 retained).
Molecular consequence: synonymous variant.
Genome position (GRCh38, 1-based): chr5:112,840,808, C>T. VCF-style: chr5-112840808-C-T. GRCh37 (hg19) VCF-style: chr5-112176505-C-T.
Other names: c.5214C>T, p.His1738= (NM_001127510.3, NM_001354895.2); c.5160C>T, p.His1720= (NM_001127511.3); c.5268C>T, p.His1756= (NM_001354896.2); c.5244C>T, p.His1748= (NM_001354897.2); c.5139C>T, p.His1713= (NM_001354898.2); c.5130C>T, p.His1710= (NM_001354899.2); c.5091C>T, p.His1697= (NM_001354900.2); c.5037C>T, p.His1679= (NM_001354901.2); and 5 more.
Identifiers: ClinVar variation 920708 (VCV000920708.5), dbSNP rs1233603872, ClinGen allele CA446209645.

ClinVar aggregate classification (germline): Conflicting classifications of pathogenicity. Review status: criteria provided, conflicting classifications (1 of 4 stars). 3 submissions from 3 submitters: Uncertain significance (1); Likely benign (2). Last evaluated 2025-08-01.

Conditions:
Hereditary cancer-predisposing syndrome. Also called: Neoplastic Syndromes, Hereditary; Tumor predisposition; Hereditary Cancer Syndrome; Hereditary neoplastic syndrome. Identifiers: Orphanet 140162, MedGen C0027672, MeSH D009386, MONDO:0015356.

gnomAD v4.1: 1 of 1,614,086 alleles (0.000062%); highest among the groups gnomAD compares: Admixed American, 0.0017%; no homozygotes.

Submissions (3):

Quest Diagnostics Nichols Institute San Juan Capistrano
Classification: Uncertain significance. Last evaluated: 2025-08-01. Review status: criteria provided, single submitter. Criteria: Quest Diagnostics criteria. Collection method: clinical testing. Allele origin: unknown.
Comment: The APC c.5214C>T (p.His1738=) synonymous variant has not been reported in individuals with APC-related conditions in the published literature. This variant has not been reported in large, multi-ethnic general populations (Genome Aggregation Database). Analysis of this variant using software algorithms for the prediction of the effect of nucleotide changes on splicing yielded predictions that this variant does not affect APC mRNA splicing. Based on the available information, we are unable to determine the clinical significance of this variant.

Ambry Genetics
Classification: Likely benign for Hereditary cancer-predisposing syndrome. Last evaluated: 2021-05-24. Review status: criteria provided, single submitter. Criteria: Ambry Variant Classification Scheme 2023. Collection method: clinical testing. Allele origin: germline.

Color Diagnostics, LLC DBA Color Health
Classification: Likely benign for Hereditary cancer-predisposing syndrome. Last evaluated: 2018-10-18. Review status: criteria provided, single submitter. Criteria: ACMG Guidelines, 2015. Collection method: clinical testing. Allele origin: germline.